The following is an entry in ClinVar:

NM_024753.5(TTC21B):c.2950+16T>C

Gene: TTC21B (tetratricopeptide repeat domain 21B; minus strand). Cytogenetic location: 2q24.3.
Variant type: single nucleotide variant.
Coding change: c.2950+16T>C on transcript NM_024753.5 (MANE Select); 16 bases into the intron after coding-DNA position 2950, T replaced by C.
Molecular consequence: intron variant.
Genome position (GRCh38, 1-based): chr2:165,898,670, A>G on the plus strand (T>C on the coding strand, the complement: TTC21B is on the minus strand). VCF-style: chr2-165898670-A-G. GRCh37 (hg19) VCF-style: chr2-166755180-A-G.
Identifiers: ClinVar variation 261778 (VCV000261778.21), dbSNP rs142565795, ClinGen allele CA1941650.

ClinVar aggregate classification (germline): Benign/Likely benign. Review status: criteria provided, multiple submitters, no conflicts (2 of 4 stars). 5 submissions from 5 submitters: Benign (4); Likely benign (1). Last evaluated 2025-12-16.

Conditions:
Jeune thoracic dystrophy. Also called: Jeune syndrome; Infantile thoracic dystrophy; Thoracic pelvic phalangeal dystrophy; Jeune's syndrome; Chondroectodermal dysplasia-like syndrome; Short-rib thoracic dysplasia. Identifiers: Orphanet 474, MedGen C0265275, MONDO:0018770.
Nephronophthisis. Also called: Juvenile Nephronophthisis. Identifiers: Orphanet 655, MedGen C0687120, MONDO:0019005, HP:0000090.

Allele frequency attached by ClinVar (database versions not stated): gnomAD exomes 0.00041 and 0.00115; ExAC 0.00141; gnomAD 0.00426 and 0.00455; TOPMed 0.00481; ESP Exome Variant Server 0.00546; 1000 Genomes Project 0.00559; 1000 Genomes Project 30x 0.00593.
gnomAD v4.1: 1,238 of 1,559,818 alleles (0.079%); highest among the groups gnomAD compares: African/African-American, 1.5%; 13 homozygotes.

Submissions (5):

Labcorp Genetics (formerly Invitae), Labcorp
Classification: Benign for Jeune thoracic dystrophy; Nephronophthisis. Last evaluated: 2025-12-16. Review status: criteria provided, single submitter. Criteria: Invitae Variant Classification Sherloc (09022015). Collection method: clinical testing. Allele origin: germline.

Blueprint Genetics
Classification: Likely benign. Last evaluated: 2024-11-20. Review status: criteria provided, single submitter. Criteria: ACMG Guidelines, 2015. Collection method: clinical testing. Allele origin: germline.

ARUP Laboratories, Molecular Genetics and Genomics, ARUP Laboratories
Classification: Benign. Last evaluated: 2024-10-23. Review status: criteria provided, single submitter. Criteria: ARUP Molecular Germline Variant Investigation Process 2024. Collection method: clinical testing. Allele origin: germline.

GeneDx
Classification: Benign. Last evaluated: 2017-02-28. Review status: criteria provided, single submitter. Criteria: GeneDx Variant Classification (06012015). Collection method: clinical testing. Allele origin: germline. Affected: yes.
Comment: This variant is considered likely benign or benign based on one or more of the following criteria: it is a conservative change, it occurs at a poorly conserved position in the protein, it is predicted to be benign by multiple in silico algorithms, and/or has population frequency not consistent with disease.

PreventionGenetics, part of Exact Sciences
Classification: Benign. Review status: criteria provided, single submitter. Criteria: ACMG Guidelines, 2015. Collection method: clinical testing. Allele origin: germline.